The following is an entry in ClinVar:

ClinVar aggregate classification (germline): Likely benign (1 of 4 stars; one submission).

Submission:

GeneDx
Classification: Likely benign. Last evaluated: 2019-10-09. Review status: criteria provided, single submitter. Criteria: GeneDx Variant Classification Process June 2021. Collection method: clinical testing. Allele origin: germline. Affected: yes.
Comment: See Variant Classification Assertion Criteria.

NM_001853.4(COL9A3):c.255+38_255+39del

Gene: COL9A3 (collagen type IX alpha 3 chain; plus strand). Cytogenetic location: 20q13.33.
Variant type: Deletion.
Coding change: c.255+38_255+39del on transcript NM_001853.4 (MANE Select); bases 38 to 39 of the intron after coding-DNA position 255, 2 bases deleted (CC; older notation c.255+38_255+39delCC).
Molecular consequence: intron variant.
Genome position (GRCh38, 1-based): chr20:62,819,331-62,819,332, CC deleted; deleting any 2 consecutive bases within chr20:62,819,329-62,819,332 gives the same sequence; the c. name uses the placement nearest the transcript's 3' end. VCF-style (leftmost placement, unchanged base first): chr20-62819328-TCC-T. GRCh37 (hg19) VCF-style: chr20-61450680-TCC-T.
Identifiers: ClinVar variation 1703346 (VCV001703346.2), dbSNP rs200945571, ClinGen allele CA9949099.